The following is an entry in ClinVar:

ClinVar aggregate classification (germline): Pathogenic (1 of 4 stars; one submission).

Conditions:
Glycogen storage disease, type II (IOPD). Also called: GAA DEFICIENCY, INFANTILE-ONSET; ACID MALTASE DEFICIENCY, INFANTILE-ONSET; POMPE DISEASE, INFANTILE-ONSET; Pompe Disease; CARDIOMEGALIA GLYCOGENICA DIFFUSA; GLYCOGENOSIS, GENERALIZED, CARDIAC FORM. Identifiers: Orphanet 365, MedGen C0017921, MONDO:0009290, OMIM 232300.

Submission:

Labcorp Genetics (formerly Invitae), Labcorp
Classification: Pathogenic for Glycogen storage disease, type II. Last evaluated: 2023-09-21. Review status: criteria provided, single submitter. Criteria: Invitae Variant Classification Sherloc (09022015). Collection method: clinical testing. Allele origin: germline.
Comment: For these reasons, this variant has been classified as Pathogenic. ClinVar contains an entry for this variant (Variation ID: 1451418). This variant has not been reported in the literature in individuals affected with GAA-related conditions. This variant is not present in population databases (gnomAD no frequency). This sequence change creates a premature translational stop signal (p.Gln433Leufs*76) in the GAA gene. It is expected to result in an absent or disrupted protein product. Loss-of-function variants in GAA are known to be pathogenic (PMID: 18425781, 22252923).

Literature cited by the submitters: PubMed 18425781; PubMed 22252923.

NM_000152.5(GAA):c.1298_1301delinsTCCTGCACCATGGC (p.Gln433fs)

Gene: GAA (alpha glucosidase; plus strand). Cytogenetic location: 17q25.3.
Variant type: Indel.
Coding change: c.1298_1301delinsTCCTGCACCATGGC on transcript NM_000152.5 (MANE Select); coding-DNA positions 1298 to 1301, AGGG replaced by TCCTGCACCATGGC.
Protein change: p.Gln433fs; shifts the reading frame from glutamine 433.
Molecular consequence: frameshift variant.
Genome position (GRCh38, 1-based): chr17:80,108,800-80,108,803, AGGG replaced by TCCTGCACCATGGC. VCF-style: chr17-80108800-AGGG-TCCTGCACCATGGC. GRCh37 (hg19) VCF-style: chr17-78082599-AGGG-TCCTGCACCATGGC.
Other names: c.1298_1301delinsTCCTGCACCATGGC, p.Gln433fs (NM_001079803.3, NM_001079804.3); short protein forms Q433fs.
Identifiers: ClinVar variation 1451418 (VCV001451418.6), dbSNP rs2143858151, ClinGen allele CA2573154961.